The following is an entry in ClinVar:

NM_015311.3(OBSL1):c.1561C>T (p.Pro521Ser)

Gene: OBSL1 (obscurin like cytoskeletal adaptor 1; minus strand). Cytogenetic location: 2q35.
Variant type: single nucleotide variant.
Coding change: c.1561C>T on transcript NM_015311.3 (MANE Select); coding-DNA position 1561, C replaced by T.
Protein change: p.Pro521Ser; replaces proline 521 with serine.
Molecular consequence: missense variant.
Genome position (GRCh38, 1-based): chr2:219,567,549, G>A on the plus strand (C>T on the coding strand, the complement: OBSL1 is on the minus strand). VCF-style: chr2-219567549-G-A. GRCh37 (hg19) VCF-style: chr2-220432271-G-A.
Other names: c.1561C>T, p.Pro521Ser (NM_001173408.2, NM_001173431.2); short protein forms P521S.
Identifiers: ClinVar variation 3670049 (VCV003670049.2).

ClinVar aggregate classification (germline): Uncertain significance (1 of 4 stars; one submission).

Submission:

Labcorp Genetics (formerly Invitae), Labcorp
Classification: Uncertain significance. Last evaluated: 2024-11-04. Review status: criteria provided, single submitter. Criteria: Invitae Variant Classification Sherloc (09022015). Collection method: clinical testing. Allele origin: germline.
Comment: This sequence change replaces proline, which is neutral and non-polar, with serine, which is neutral and polar, at codon 521 of the OBSL1 protein (p.Pro521Ser). This variant is not present in population databases (gnomAD no frequency). This variant has not been reported in the literature in individuals affected with OBSL1-related conditions. An algorithm developed to predict the effect of missense changes on protein structure and function (PolyPhen-2) suggests that this variant is likely to be disruptive. In summary, the available evidence is currently insufficient to determine the role of this variant in disease. Therefore, it has been classified as a Variant of Uncertain Significance.